The following is an entry in ClinVar:

ClinVar aggregate classification (germline): Uncertain significance. Review status: criteria provided, multiple submitters, no conflicts (2 of 4 stars). 5 submissions from 5 submitters: Uncertain significance (4). 1 of the submissions does not count toward it. Last evaluated 2026-03-02.

Conditions:
Inborn genetic diseases. Identifiers: MedGen C0950123, MeSH D030342.
POLR3B-related disorder. Also called: POLR3B-related condition; POLR3B-related disorders. Identifiers: MedGen CN378588, MONDO:0700277.

gnomAD v4.1: 52 of 1,613,136 alleles (0.0032%); highest among the groups gnomAD compares: Admixed American, 0.005%; no homozygotes.

Submissions (5):

Women's Health and Genetics/Laboratory Corporation of America, LabCorp
Classification: Uncertain significance. Last evaluated: 2026-03-02. Review status: criteria provided, single submitter. Criteria: LabCorp Variant Classification Summary - May 2015. Collection method: clinical testing. Allele origin: germline.
Comment: Variant summary: POLR3B c.3019G>A (p.Val1007Met) results in a conservative amino acid change in the encoded protein sequence. Algorithms developed to predict the effect of missense changes on protein structure and function are either unavailable or do not agree on the potential impact of this missense change. The variant allele was found at a frequency of 4e-05 in 250842 control chromosomes (gnomAD). This frequency is not significantly higher than estimated for disease-causing variants in POLR3B, allowing no conclusion about variant significance. c.3019G>A has been observed in one individual affected with severe schizophrenia (Zoghbi_2021). The report does not provide unequivocal conclusions about association of the variant with POLR3-Related Leukodystrophy. To our knowledge, no experimental evidence demonstrating an impact on protein function has been reported. The following publication have been ascertained in the context of this evaluation (PMID: 34903660). ClinVar contains an entry for this variant (Variation ID: 1516296). Based on the evidence outlined above, the variant was classified as uncertain significance.

Labcorp Genetics (formerly Invitae), Labcorp
Classification: Uncertain significance. Last evaluated: 2025-05-05. Review status: criteria provided, single submitter. Criteria: Invitae Variant Classification Sherloc (09022015). Collection method: clinical testing. Allele origin: germline.
Comment: This sequence change replaces valine, which is neutral and non-polar, with methionine, which is neutral and non-polar, at codon 1007 of the POLR3B protein (p.Val1007Met). This variant is present in population databases (rs375472185, gnomAD 0.009%). This variant has not been reported in the literature in individuals affected with POLR3B-related conditions. ClinVar contains an entry for this variant (Variation ID: 1516296). Invitae Evidence Modeling of protein sequence and biophysical properties (such as structural, functional, and spatial information, amino acid conservation, physicochemical variation, residue mobility, and thermodynamic stability) indicates that this missense variant is not expected to disrupt POLR3B protein function with a negative predictive value of 80%. In summary, the available evidence is currently insufficient to determine the role of this variant in disease. Therefore, it has been classified as a Variant of Uncertain Significance.

Blueprint Genetics
Classification: Uncertain significance. Last evaluated: 2024-10-14. Review status: criteria provided, single submitter. Criteria: ACMG Guidelines, 2015. Collection method: clinical testing. Allele origin: germline.

Ambry Genetics
Classification: Uncertain significance for Inborn genetic diseases. Last evaluated: 2021-11-15. Review status: criteria provided, single submitter. Criteria: Ambry Variant Classification Scheme 2023. Collection method: clinical testing. Allele origin: germline.

PreventionGenetics, part of Exact Sciences
Classification: Uncertain significance for POLR3B-related condition. Last evaluated: 2024-03-20. Review status: no assertion criteria provided. Collection method: clinical testing. Allele origin: germline. Not counted in ClinVar's aggregate classification.
Comment: The POLR3B c.3019G>A variant is predicted to result in the amino acid substitution p.Val1007Met. To our knowledge, this variant has not been reported in the literature. This variant is reported in 0.0085% of alleles in individuals of Latino descent in gnomAD. At this time, the clinical significance of this variant is uncertain due to the absence of conclusive functional and genetic evidence.

Literature cited by the submitters: PubMed 34903660 (cited by Women's Health and Genetics/Laboratory Corporation of America, LabCorp).

NM_018082.6(POLR3B):c.3019G>A (p.Val1007Met)

Genes: POLR3B (RNA polymerase III subunit B; plus strand), RFX4-AS1 (RFX4 antisense RNA 1; minus strand). Cytogenetic location: 12q23.3.
Variant type: single nucleotide variant.
Coding change: c.3019G>A on transcript NM_018082.6 (MANE Select); coding-DNA position 3019, G replaced by A.
Protein change: p.Val1007Met; replaces valine 1007 with methionine.
Molecular consequence: missense variant.
Genome position (GRCh38, 1-based): chr12:106,501,357, G>A. VCF-style: chr12-106501357-G-A. GRCh37 (hg19) VCF-style: chr12-106895135-G-A.
Other names: c.3019G>A (NM_018082.5); c.2845G>A, p.Val949Met (NM_001160708.2); short protein forms V1007M, V949M.
Identifiers: ClinVar variation 1516296 (VCV001516296.8), dbSNP rs375472185, ClinGen allele CA6762388.